The following is an entry in ClinVar:

ClinVar aggregate classification (germline): Pathogenic (1 of 4 stars; one submission).

Conditions:
Glycine encephalopathy 1 (GCE1). Identifiers: MedGen CN376801, MONDO:0958179, OMIM 605899.

Submission:

Myriad Genetics, Inc.
Classification: Pathogenic for Glycine encephalopathy 1. Last evaluated: 2025-09-20. Review status: criteria provided, single submitter. Criteria: Myriad Autosomal Dominant, Autosomal Recessive and X-Linked Classification Criteria (2023). Collection method: clinical testing. Allele origin: unknown.
Comment: NM_000170.2(GLDC):c.2343delC(N782Ifs*7) is expected to be pathogenic in the context of glycine encephalopathy, GLDC-related. This variant is predicted to lead to an abnormal or absent protein product due to the creation of a premature termination codon in GLDC, a gene where loss-of-function variants are known to be pathogenic. Please note: this variant was assessed in the context of healthy population screening.

NM_000170.3(GLDC):c.2343del (p.Asn782fs)

Gene: GLDC (glycine decarboxylase; minus strand). Cytogenetic location: 9p24.1.
Variant type: Deletion.
Coding change: c.2343del on transcript NM_000170.3 (MANE Select); coding-DNA position 2343, one base deleted (C; older notation c.2343delC).
Protein change: p.Asn782fs; shifts the reading frame from asparagine 782.
Molecular consequence: frameshift variant.
Genome position (GRCh38, 1-based): chr9:6,553,482, G deleted on the plus strand (C on the coding strand, the reverse complement: GLDC is on the minus strand); the first of 3 consecutive G bases (chr9:6,553,482-6,553,484); deleting any one gives the same sequence. VCF-style (leftmost placement, unchanged base first): chr9-6553481-TG-T. GRCh37 (hg19) VCF-style: chr9-6553481-TG-T.
Other names: short protein forms N782fs.
Identifiers: ClinVar variation 5015000 (VCV005015000.1).
Genomic context (GRCh38, chr9:6,553,481, plus strand): 5'-CACTGACGGTTCCCACAGGACAGGCATCCTCATTCCGCTTTAGTGAAATGACGGGATGAT[TG>T]GGCAAAAACGGGGCGAGATGTTTCTTCCTGTATTTTTTTTAAGTGCAAATTCAGAAAATG-3'